The following is an entry in ClinVar:

ClinVar aggregate classification (germline): Pathogenic. Review status: criteria provided, multiple submitters, no conflicts (2 of 4 stars). 3 submissions from 3 submitters: Pathogenic (2). 1 of the submissions does not count toward it. Last evaluated 2026-03-16.

Conditions:
Neurofibromatosis, type 1 (NF1). Also called: NEUROFIBROMATOSIS, TYPE I, SOMATIC; Peripheral type neurofibromatosis; VON RECKLINGHAUSEN DISEASE; Neurofibromatosis, type I. Identifiers: Orphanet 636, MedGen C0027831, MONDO:0018975, OMIM 162200. Disease mechanism: loss of function.

Submissions (3):

GeneDx
Classification: Pathogenic. Last evaluated: 2026-03-16. Review status: criteria provided, single submitter. Criteria: GeneDx Variant Classification Process June 2021. Collection method: clinical testing. Allele origin: germline.
Comment: Nonsense variant predicted to result in protein truncation or nonsense mediated decay in a gene for which loss of function is a known mechanism of disease; Not observed at significant frequency in large population cohorts (gnomAD); This variant is associated with the following publications: (PMID: 34164111)

Labcorp Genetics (formerly Invitae), Labcorp
Classification: Pathogenic for Neurofibromatosis, type 1. Last evaluated: 2020-02-19. Review status: criteria provided, single submitter. Criteria: Invitae Variant Classification Sherloc (09022015). Collection method: clinical testing. Allele origin: germline.
Comment: For these reasons, this variant has been classified as Pathogenic. This variant has not been reported in the literature in individuals with NF1-related conditions. This sequence change creates a premature translational stop signal (p.Leu1871*) in the NF1 gene. It is expected to result in an absent or disrupted protein product. This variant is not present in population databases (ExAC no frequency). Loss-of-function variants in NF1 are known to be pathogenic (PMID: 10712197, 23913538).

KK Women’s and Children’s Hospital
Classification: Pathogenic for Neurofibromatosis, type 1. Last evaluated: 2020-11-24. Review status: no assertion criteria provided. Collection method: research. Allele origin: unknown. Inheritance: Somatic mutation. Affected: yes. Observed: 1 heterozygote. Not counted in ClinVar's aggregate classification.

Literature cited by the submitters: PubMed 10712197 (cited by Labcorp Genetics (formerly Invitae), Labcorp); PubMed 23913538 (cited by Labcorp Genetics (formerly Invitae), Labcorp).

NM_001042492.3(NF1):c.5675T>A (p.Leu1892Ter)

Gene: NF1 (neurofibromin 1; plus strand). Cytogenetic location: 17q11.2.
Variant type: single nucleotide variant.
Coding change: c.5675T>A on transcript NM_001042492.3 (MANE Select); coding-DNA position 5675, T replaced by A.
Protein change: p.Leu1892Ter; replaces leucine 1892 with a stop codon.
Molecular consequence: nonsense.
Genome position (GRCh38, 1-based): chr17:31,330,361, T>A. VCF-style: chr17-31330361-T-A. GRCh37 (hg19) VCF-style: chr17-29657379-T-A.
Other names: c.5612T>A, p.Leu1871Ter (NM_000267.4); short protein forms L1871*, L1892*.
Identifiers: ClinVar variation 992627 (VCV000992627.8), dbSNP rs2069450324, ClinGen allele CA399010230.